The following is an entry in ClinVar:

ClinVar aggregate classification (germline): Conflicting classifications of pathogenicity. Review status: criteria provided, conflicting classifications (1 of 4 stars). 3 submissions from 3 submitters: Uncertain significance (1); Likely benign (2). Last evaluated 2025-11-27.

Conditions:
Collagen 6-related myopathy. Identifiers: MedGen CN117976, MONDO:0100225.
Bethlem myopathy 1A. Also called: Bethlem Muscular Dystrophy; Bethlem myopathy 1; MYOPATHY, BENIGN CONGENITAL, WITH CONTRACTURES. Identifiers: Orphanet 610, MedGen CN029274, MONDO:0024530, OMIM 158810.

Allele frequency attached by ClinVar (database versions not stated): gnomAD 0.00001; TOPMed 0.00001; gnomAD exomes 0.00003 and 0.00006; ExAC 0.00012.
gnomAD v4.1: 42 of 1,600,134 alleles (0.0026%); highest among the groups gnomAD compares: Middle Eastern, 0.36%; 2 homozygotes.

Submissions (3):

Labcorp Genetics (formerly Invitae), Labcorp
Classification: Likely benign for Bethlem myopathy 1A. Last evaluated: 2025-11-27. Review status: criteria provided, single submitter. Criteria: Invitae Variant Classification Sherloc (09022015). Collection method: clinical testing. Allele origin: germline.

Eurofins Ntd Llc (ga)
Classification: Uncertain significance. Last evaluated: 2018-07-03. Review status: criteria provided, single submitter. Criteria: EGL ClinVar v180209 classification definitions. Collection method: clinical testing. Allele origin: germline. Observed: 1 variant allele, 1 heterozygote.

Illumina Laboratory Services, Illumina
Classification: Likely benign for Collagen VI-related myopathy. Last evaluated: 2018-01-13. Review status: criteria provided, single submitter. Criteria: ICSL Variant Classification Criteria 13 December 2019. Collection method: clinical testing. Allele origin: germline.
Comment: This variant was observed in the ICSL laboratory as part of a predisposition screen in an ostensibly healthy population. It had not been previously curated by ICSL or reported in the Human Gene Mutation Database (HGMD: prior to June 1st, 2018), and was therefore a candidate for classification through an automated scoring system. Utilizing variant allele frequency, disease prevalence and penetrance estimates, and inheritance mode, an automated score was calculated to assess if this variant is too frequent to cause the disease. Based on the score and internal cut-off values, a variant classified as likely benign is not then subjected to further curation. The score for this variant resulted in a classification of likely benign for this disease.

NM_001849.4(COL6A2):c.2742C>T (p.Phe914=)

Gene: COL6A2 (collagen type VI alpha 2 chain; plus strand). Cytogenetic location: 21q22.3.
Variant type: single nucleotide variant.
Coding change: c.2742C>T on transcript NM_001849.4 (MANE Select); coding-DNA position 2742, C replaced by T.
Protein change: p.Phe914=; no amino-acid change (phenylalanine 914 retained).
Molecular consequence: synonymous variant.
Genome position (GRCh38, 1-based): chr21:46,132,234, C>T. VCF-style: chr21-46132234-C-T. GRCh37 (hg19) VCF-style: chr21-47552148-C-T.
Identifiers: ClinVar variation 597688 (VCV000597688.19), dbSNP rs747734639, ClinGen allele CA10073001.